The following is an entry in ClinVar:

ClinVar aggregate classification (germline): Uncertain significance (1 of 4 stars; one submission).

Conditions:
Hereditary cancer-predisposing syndrome. Also called: Neoplastic Syndromes, Hereditary; Tumor predisposition; Hereditary Cancer Syndrome; Hereditary neoplastic syndrome. Identifiers: Orphanet 140162, MedGen C0027672, MeSH D009386, MONDO:0015356.

Submission:

Ambry Genetics
Classification: Uncertain significance for Hereditary cancer-predisposing syndrome. Last evaluated: 2025-10-22. Review status: criteria provided, single submitter. Criteria: Ambry Variant Classification Scheme 2023. Collection method: clinical testing. Allele origin: germline.
Comment: The p.D983Y variant (also known as c.2947G>T), located in coding exon 18 of the PTCH1 gene, results from a G to T substitution at nucleotide position 2947. The aspartic acid at codon 983 is replaced by tyrosine, an amino acid with highly dissimilar properties. This amino acid position is conserved. In addition, the in silico prediction for this alteration is inconclusive. Based on the available evidence, the clinical significance of this variant remains unclear.

NM_000264.5(PTCH1):c.2947G>T (p.Asp983Tyr)

Gene: PTCH1 (patched 1; minus strand). Cytogenetic location: 9q22.32.
Variant type: single nucleotide variant.
Coding change: c.2947G>T on transcript NM_000264.5 (MANE Select); coding-DNA position 2947, G replaced by T.
Protein change: p.Asp983Tyr; replaces aspartic acid 983 with tyrosine.
Molecular consequence: missense variant. On other transcripts: non-coding transcript variant (1).
Genome position (GRCh38, 1-based): chr9:95,458,234, C>A on the plus strand (G>T on the coding strand, the complement: PTCH1 is on the minus strand). VCF-style: chr9-95458234-C-A. GRCh37 (hg19) VCF-style: chr9-98220516-C-A.
Other names: c.2749G>T, p.Asp917Tyr (NM_001083602.3); c.2944G>T, p.Asp982Tyr (NM_001083603.3); c.2494G>T, p.Asp832Tyr (NM_001083604.3, NM_001083605.3, NM_001083606.3 and 1 more transcripts); c.2791G>T, p.Asp931Tyr (NM_001354918.2); short protein forms D931Y, D982Y, D917Y, D983Y, D832Y.
Identifiers: ClinVar variation 4675727 (VCV004675727.1).